The following is an entry in ClinVar:

ClinVar aggregate classification (germline): Uncertain significance (1 of 4 stars; one submission).

Conditions:
Idiopathic generalized epilepsy. Also called: Generalised epilepsy; EIG. Identifiers: MedGen C0270850, MONDO:0005579, OMIM 600669.

Submission:

Labcorp Genetics (formerly Invitae), Labcorp
Classification: Uncertain significance for Idiopathic generalized epilepsy. Last evaluated: 2024-02-22. Review status: criteria provided, single submitter. Criteria: Invitae Variant Classification Sherloc (09022015). Collection method: clinical testing. Allele origin: germline.
Comment: This sequence change replaces valine, which is neutral and non-polar, with leucine, which is neutral and non-polar, at codon 280 of the GABRD protein (p.Val280Leu). This variant is not present in population databases (gnomAD no frequency). This variant has not been reported in the literature in individuals affected with GABRD-related conditions. An algorithm developed to predict the effect of missense changes on protein structure and function (PolyPhen-2) suggests that this variant is likely to be disruptive. In summary, the available evidence is currently insufficient to determine the role of this variant in disease. Therefore, it has been classified as a Variant of Uncertain Significance.

NM_000815.5(GABRD):c.838G>C (p.Val280Leu)

Gene: GABRD (gamma-aminobutyric acid type A receptor subunit delta; plus strand). Cytogenetic location: 1p36.33.
Variant type: single nucleotide variant.
Coding change: c.838G>C on transcript NM_000815.5 (MANE Select); coding-DNA position 838, G replaced by C.
Protein change: p.Val280Leu; replaces valine 280 with leucine.
Molecular consequence: missense variant.
Genome position (GRCh38, 1-based): chr1:2,029,257, G>C. VCF-style: chr1-2029257-G-C. GRCh37 (hg19) VCF-style: chr1-1960696-G-C.
Other names: short protein forms V280L.
Identifiers: ClinVar variation 3639641 (VCV003639641.2).